The following is an entry in ClinVar:

NM_001378778.1(MPDZ):c.1990T>C (p.Phe664Leu)

Gene: MPDZ (multiple PDZ domain crumbs cell polarity complex component; minus strand). Cytogenetic location: 9p23.
Variant type: single nucleotide variant.
Coding change: c.1990T>C on transcript NM_001378778.1 (MANE Select); coding-DNA position 1990, T replaced by C.
Protein change: p.Phe664Leu; replaces phenylalanine 664 with leucine.
Molecular consequence: missense variant.
Genome position (GRCh38, 1-based): chr9:13,190,278, A>G on the plus strand (T>C on the coding strand, the complement: MPDZ is on the minus strand). VCF-style: chr9-13190278-A-G. GRCh37 (hg19) VCF-style: chr9-13190277-A-G.
Other names: c.1990T>C, p.Phe664Leu (NM_001261406.2, NM_001261407.2, NM_001330637.2 and 14 more transcripts); short protein forms F664L.
Identifiers: ClinVar variation 445626 (VCV000445626.16), dbSNP rs149169783, ClinGen allele CA4987596.

ClinVar aggregate classification (germline): Benign/Likely benign. Review status: criteria provided, multiple submitters, no conflicts (2 of 4 stars). 4 submissions from 4 submitters: Benign (1); Likely benign (2). 1 of the submissions does not count toward it. Last evaluated 2025-12-15.

Conditions:
MPDZ-related disorder. Also called: MPDZ-related condition.

Allele frequency attached by ClinVar (database versions not stated): gnomAD exomes 0.00161; ExAC 0.00206; 1000 Genomes Project 0.00599; gnomAD 0.00643 and 0.00699; ESP Exome Variant Server 0.00652; 1000 Genomes Project 30x 0.00656; TOPMed 0.00695.
gnomAD v4.1: 1,937 of 1,602,294 alleles (0.12%); highest among the groups gnomAD compares: African/African-American, 2.4%; 21 homozygotes.

Submissions (4):

Labcorp Genetics (formerly Invitae), Labcorp
Classification: Benign. Last evaluated: 2025-12-15. Review status: criteria provided, single submitter. Criteria: Invitae Variant Classification Sherloc (09022015). Collection method: clinical testing. Allele origin: germline.

Center for Pediatric Genomic Medicine, Children's Mercy Hospital and Clinics
Classification: Likely benign. Last evaluated: 2017-02-22. Review status: criteria provided, single submitter. Criteria: ACMG Guidelines, 2015. Collection method: clinical testing. Allele origin: germline.

Breakthrough Genomics
Classification: Likely benign. Review status: criteria provided, single submitter. Criteria: ACMG Guidelines, 2015. Collection method: not provided. Allele origin: germline. Inheritance: Autosomal recessive inheritance. Affected: yes.

PreventionGenetics, part of Exact Sciences
Classification: Likely benign for MPDZ-related condition. Last evaluated: 2019-03-11. Review status: no assertion criteria provided. Collection method: clinical testing. Allele origin: germline. Not counted in ClinVar's aggregate classification.
Comment: This variant is classified as likely benign based on ACMG/AMP sequence variant interpretation guidelines (Richards et al. 2015 PMID: 25741868, with internal and published modifications).